The following is an entry in ClinVar:

NM_001378414.1(HDAC4):c.1358G>A (p.Arg453Gln)

Gene: HDAC4 (histone deacetylase 4; minus strand). Cytogenetic location: 2q37.3.
Variant type: single nucleotide variant.
Coding change: c.1358G>A on transcript NM_001378414.1 (MANE Select); coding-DNA position 1358, G replaced by A.
Protein change: p.Arg453Gln; replaces arginine 453 with glutamine.
Molecular consequence: missense variant.
Genome position (GRCh38, 1-based): chr2:239,126,631, C>T on the plus strand (G>A on the coding strand, the complement: HDAC4 is on the minus strand). VCF-style: chr2-239126631-C-T. GRCh37 (hg19) VCF-style: chr2-240048327-C-T.
Other names: c.1358G>A, p.Arg453Gln (NM_001378415.1); c.1343G>A, p.Arg448Gln (NM_001378416.1, NM_001378417.1, NM_006037.4); c.1343G>A (NM_006037.3); short protein forms R448Q, R453Q.
Identifiers: ClinVar variation 502467 (VCV000502467.9), dbSNP rs199784169, ClinGen allele CA2199824.

ClinVar aggregate classification (germline): Conflicting classifications of pathogenicity. Review status: criteria provided, conflicting classifications (1 of 4 stars). 3 submissions from 3 submitters: Uncertain significance (2); Likely benign (1). Last evaluated 2025-06-24.

Conditions:
Inborn genetic diseases. Identifiers: MedGen C0950123, MeSH D030342.

Allele frequency attached by ClinVar (database versions not stated): gnomAD exomes 0.00005 and 0.00008; TOPMed 0.00005; gnomAD 0.00006; ExAC 0.00008; ESP Exome Variant Server 0.00015; 1000 Genomes Project 0.00020; 1000 Genomes Project 30x 0.00031.
gnomAD v4.1: 133 of 1,614,010 alleles (0.0082%); highest among the groups gnomAD compares: Middle Eastern, 0.017%; no homozygotes.

Submissions (3):

Ambry Genetics
Classification: Likely benign for Inborn genetic diseases. Last evaluated: 2025-06-24. Review status: criteria provided, single submitter. Criteria: Ambry Variant Classification Scheme 2023. Collection method: clinical testing. Allele origin: germline.

Labcorp Genetics (formerly Invitae), Labcorp
Classification: Uncertain significance. Last evaluated: 2023-08-22. Review status: criteria provided, single submitter. Criteria: Invitae Variant Classification Sherloc (09022015). Collection method: clinical testing. Allele origin: germline.
Comment: ClinVar contains an entry for this variant (Variation ID: 502467). This variant has not been reported in the literature in individuals affected with HDAC4-related conditions. This variant is present in population databases (rs199784169, gnomAD 0.02%). This sequence change replaces arginine, which is basic and polar, with glutamine, which is neutral and polar, at codon 448 of the HDAC4 protein (p.Arg448Gln). Advanced modeling of protein sequence and biophysical properties (such as structural, functional, and spatial information, amino acid conservation, physicochemical variation, residue mobility, and thermodynamic stability) performed at Invitae indicates that this missense variant is not expected to disrupt HDAC4 protein function. In summary, the available evidence is currently insufficient to determine the role of this variant in disease. Therefore, it has been classified as a Variant of Uncertain Significance.

Eurofins Ntd Llc (ga)
Classification: Uncertain significance. Last evaluated: 2017-06-15. Review status: criteria provided, single submitter. Criteria: EGL Classification Definitions 2015. Collection method: clinical testing. Allele origin: germline. Observed: 1 variant allele, 1 heterozygote.